The following is an entry in ClinVar:

NM_024417.5(FDXR):c.690A>C (p.Gly230=)

Gene: FDXR (ferredoxin reductase; minus strand). Cytogenetic location: 17q25.1.
Variant type: single nucleotide variant.
Coding change: c.690A>C on transcript NM_024417.5 (MANE Select); coding-DNA position 690, A replaced by C.
Protein change: p.Gly230=; no amino-acid change (glycine 230 retained).
Molecular consequence: synonymous variant. On other transcripts: non-coding transcript variant (1).
Genome position (GRCh38, 1-based): chr17:74,864,851, T>G on the plus strand (A>C on the coding strand, the complement: FDXR is on the minus strand). VCF-style: chr17-74864851-T-G. GRCh37 (hg19) VCF-style: chr17-72860973-T-G.
Other names: c.819A>C, p.Gly273= (NM_001258012.4); c.783A>C, p.Gly261= (NM_001258013.4); c.666A>C, p.Gly222= (NM_001258014.4); c.570A>C, p.Gly190= (NM_001258015.3); c.534A>C, p.Gly178= (NM_001258016.3); c.708A>C, p.Gly236= (NM_004110.6).
Identifiers: ClinVar variation 5039665 (VCV005039665.1).
Genomic context (GRCh38, chr17:74,864,851, plus strand): 5'-GAACCCTGGCTCCTCCCACTCTGGCCCCAGCACCTTAATGGTGAAGGCCACTTGCAGGGG[T>G]CCACGCCGGCCCACTAGCCACACTGTCTTCACTCGACTCTGCCTCAGTACACCCAGGGCT-3'
Protein context (NP_077728.3, residues 220-240): VKTVWLVGRR[Gly230=]PLQVAFTIKE

ClinVar aggregate classification (germline): Likely benign (1 of 4 stars; one submission).

gnomAD v4.1: 6 of 1,613,582 alleles (0.00037%); highest among the groups gnomAD compares: Non-Finnish European, 0.00051%; no homozygotes.

Submission:

CeGaT Center for Human Genetics Tuebingen
Classification: Likely benign. Last evaluated: 2026-07-01. Review status: criteria provided, single submitter. Criteria: CeGaT Center For Human Genetics Tuebingen Variant Classification Criteria Version 2. Collection method: clinical testing. Allele origin: germline. Affected: yes. Observed: 1 variant allele.
Comment: FDXR: BP4, BP7